The following is an entry in ClinVar:

NM_133433.4(NIPBL):c.6108+5G>A

Gene: NIPBL (NIPBL cohesin loading factor; plus strand). Cytogenetic location: 5p13.2.
Variant type: single nucleotide variant.
Coding change: c.6108+5G>A on transcript NM_133433.4 (MANE Select); 5 bases into the intron after coding-DNA position 6108, G replaced by A.
Molecular consequence: intron variant.
Genome position (GRCh38, 1-based): chr5:37,038,743, G>A. VCF-style: chr5-37038743-G-A. GRCh37 (hg19) VCF-style: chr5-37038845-G-A.
Other names: c.6108+5G>A (NM_015384.5).
Identifiers: ClinVar variation 372945 (VCV000372945.1), dbSNP rs1057518091, ClinGen allele CA16042619.
Genomic context (GRCh38, chr5:37,038,743, plus strand): 5'-AGCTCATGGTTAAACATGCAATGACTATGCAACCATACCTTACCACTAAATGTAGTGTAA[G>A]TATAGAGCTGTCTTATTCTTGTATCTTACATAAAACATTAAGTGCTTTAAATTTAGAGTT-3'

ClinVar aggregate classification (germline): Likely pathogenic (1 of 4 stars; one submission).

Submission:

GeneDx
Classification: Likely pathogenic. Last evaluated: 2016-06-09. Review status: criteria provided, single submitter. Criteria: GeneDx Variant Classification (06012015). Collection method: clinical testing. Allele origin: germline. Affected: yes.
Comment: The c.6108+5G>A variant in the NIPBL gene has not been reported previously as a pathogenic variant nor as a benign variant, to our knowledge. This variant reduces the quality of the splice donor site in intron 34, and is expected to cause abnormal gene splicing. The c.6108+5G>A variant was not observed in approximately 6500 individuals of European and African American ancestry in the NHLBI Exome Sequencing Project, indicating it is not a common benign variant in these populations. The c.6108+5G>A variant is a strong candidate for a pathogenic variant; however, the possibility it may be a rare benign variant cannot be excluded.